The following is an entry in ClinVar:

NM_004329.3(BMPR1A):c.1322dup (p.Arg442fs)

Gene: BMPR1A (bone morphogenetic protein receptor type 1A; plus strand). Cytogenetic location: 10q23.2.
Variant type: Duplication.
Coding change: c.1322dup on transcript NM_004329.3 (MANE Select); coding-DNA position 1322, one base duplicated (C; older notation c.1322dupC).
Protein change: p.Arg442fs; shifts the reading frame from arginine 442.
Molecular consequence: frameshift variant.
Genome position (GRCh38, 1-based): chr10:86,921,675, C duplicated. VCF-style (leftmost placement, unchanged base first): chr10-86921674-G-GC. GRCh37 (hg19) VCF-style: chr10-88681431-G-GC.
Other names: c.1397dup, p.Arg467Serfs (NM_001406559.1); c.1370dup, p.Arg458Serfs (NM_001406560.1); c.1322dup, p.Arg442Serfs (NM_001406561.1, NM_001406562.1, NM_001406563.1 and 19 more transcripts); c.1316dup, p.Arg440Serfs (NM_001406583.1); c.1238dup, p.Arg414Serfs (NM_001406584.1, NM_001406585.1, NM_001406586.1 and 2 more transcripts); c.980dup, p.Arg328Serfs (NM_001406589.1); c.1322dupC (NM_004329.2); short protein forms R442fs.
Identifiers: ClinVar variation 1769934 (VCV001769934.7), dbSNP rs2539638420, ClinGen allele CA2580082350.

ClinVar aggregate classification (germline): Pathogenic. Review status: criteria provided, multiple submitters, no conflicts (2 of 4 stars). 2 submissions from 2 submitters: Pathogenic (2). Last evaluated 2022-05-27.

Conditions:
Hereditary cancer-predisposing syndrome. Also called: Tumor predisposition; Neoplastic Syndromes, Hereditary; Hereditary Cancer Syndrome; Hereditary neoplastic syndrome. Identifiers: Orphanet 140162, MedGen C0027672, MeSH D009386, MONDO:0015356.
Juvenile polyposis syndrome (JPS). Identifiers: Orphanet 2929, MedGen C0345893, MONDO:0017380, OMIM 174900.

Submissions (2):

Labcorp Genetics (formerly Invitae), Labcorp
Classification: Pathogenic for Juvenile polyposis syndrome. Last evaluated: 2022-05-27. Review status: criteria provided, single submitter. Criteria: Invitae Variant Classification Sherloc (09022015). Collection method: clinical testing. Allele origin: germline.
Comment: This sequence change creates a premature translational stop signal (p.Arg442Serfs*23) in the BMPR1A gene. It is expected to result in an absent or disrupted protein product. Loss-of-function variants in BMPR1A are known to be pathogenic (PMID: 11536076, 12417513). This variant is not present in population databases (gnomAD no frequency). This variant has not been reported in the literature in individuals affected with BMPR1A-related conditions. For these reasons, this variant has been classified as Pathogenic.

Ambry Genetics
Classification: Pathogenic for Hereditary cancer-predisposing syndrome. Last evaluated: 2020-01-21. Review status: criteria provided, single submitter. Criteria: Ambry Variant Classification Scheme 2023. Collection method: clinical testing. Allele origin: germline.
Comment: The c.1322dupC pathogenic mutation, located in coding exon 9 of the BMPR1A gene, results from a duplication of C at nucleotide position 1322, causing a translational frameshift with a predicted alternate stop codon (p.R442Sfs*23). This alteration is expected to result in loss of function by premature protein truncation or nonsense-mediated mRNA decay. As such, this alteration is interpreted as a disease-causing mutation.

Literature cited by the submitters: PubMed 11536076 (cited by Labcorp Genetics (formerly Invitae), Labcorp); PubMed 12417513 (cited by Labcorp Genetics (formerly Invitae), Labcorp).